The following is an entry in ClinVar:

ClinVar aggregate classification (germline): Uncertain significance. Review status: criteria provided, multiple submitters, no conflicts (2 of 4 stars). 4 submissions from 4 submitters: Uncertain significance (4). Last evaluated 2025-11-13.

Conditions:
Inborn genetic diseases. Identifiers: MedGen C0950123, MeSH D030342.
Hyperkalemic periodic paralysis. Also called: Gamstorp disease; Familial hyperkalemic periodic paralysis. Identifiers: Orphanet 682, MedGen C0238357, MONDO:0008224, OMIM 170500, HP:0007215.

Allele frequency attached by ClinVar (database versions not stated): gnomAD exomes below 0.00001; TOPMed below 0.00001; gnomAD 0.00001.
gnomAD v4.1: 3 of 1,614,072 alleles (0.00019%); highest among the groups gnomAD compares: Non-Finnish European, 0.00025%; no homozygotes.

Submissions (4):

Ambry Genetics
Classification: Uncertain significance for Inborn genetic diseases. Last evaluated: 2025-11-13. Review status: criteria provided, single submitter. Criteria: Ambry Variant Classification Scheme 2023. Collection method: clinical testing. Allele origin: germline.

Labcorp Genetics (formerly Invitae), Labcorp
Classification: Uncertain significance for Hyperkalemic periodic paralysis. Last evaluated: 2025-06-29. Review status: criteria provided, single submitter. Criteria: Invitae Variant Classification Sherloc (09022015). Collection method: clinical testing. Allele origin: germline.
Comment: This sequence change replaces glutamic acid, which is acidic and polar, with lysine, which is basic and polar, at codon 1606 of the SCN4A protein (p.Glu1606Lys). This variant is not present in population databases (gnomAD no frequency). This variant has not been reported in the literature in individuals affected with SCN4A-related conditions. ClinVar contains an entry for this variant (Variation ID: 1013139). Invitae Evidence Modeling of protein sequence and biophysical properties (such as structural, functional, and spatial information, amino acid conservation, physicochemical variation, residue mobility, and thermodynamic stability) has been performed for this missense variant. However, the output from this modeling did not meet the statistical confidence thresholds required to predict the impact of this variant on SCN4A protein function. In summary, the available evidence is currently insufficient to determine the role of this variant in disease. Therefore, it has been classified as a Variant of Uncertain Significance.

GeneDx
Classification: Uncertain significance. Last evaluated: 2025-06-27. Review status: criteria provided, single submitter. Criteria: GeneDx Variant Classification Process June 2021. Collection method: clinical testing. Allele origin: germline. Affected: yes.
Comment: Not observed at significant frequency in large population cohorts (gnomAD); In silico analysis supports that this missense variant has a deleterious effect on protein structure/function; Has not been previously published as pathogenic or benign to our knowledge

CeGaT Center for Human Genetics Tuebingen
Classification: Uncertain significance. Last evaluated: 2020-08-01. Review status: criteria provided, single submitter. Criteria: CeGaT Center For Human Genetics Tuebingen Variant Classification Criteria Version 2. Collection method: clinical testing. Allele origin: germline. Affected: yes. Observed: 1 variant allele.

NM_000334.4(SCN4A):c.4816G>A (p.Glu1606Lys)

Genes: GH-LCR (growth hormone locus control region; plus strand), SCN4A (sodium voltage-gated channel alpha subunit 4; minus strand). Cytogenetic location: 17q23.3.
Variant type: single nucleotide variant.
Coding change: c.4816G>A on transcript NM_000334.4 (MANE Select); coding-DNA position 4816, G replaced by A.
Protein change: p.Glu1606Lys; replaces glutamic acid 1606 with lysine.
Molecular consequence: missense variant.
Genome position (GRCh38, 1-based): chr17:63,941,466, C>T on the plus strand (G>A on the coding strand, the complement: SCN4A is on the minus strand). VCF-style: chr17-63941466-C-T. GRCh37 (hg19) VCF-style: chr17-62018826-C-T.
Other names: short protein forms E1606K.
Identifiers: ClinVar variation 1013139 (VCV001013139.40), dbSNP rs1170400020, ClinGen allele CA400614913.